The following is an entry in ClinVar:

NM_004304.5(ALK):c.3698T>C (p.Ile1233Thr)

Gene: ALK (ALK receptor tyrosine kinase; minus strand). Cytogenetic location: 2p23.2.
Variant type: single nucleotide variant.
Coding change: c.3698T>C on transcript NM_004304.5 (MANE Select); coding-DNA position 3698, T replaced by C.
Protein change: p.Ile1233Thr; replaces isoleucine 1233 with threonine.
Molecular consequence: missense variant.
Genome position (GRCh38, 1-based): chr2:29,214,029, A>G on the plus strand (T>C on the coding strand, the complement: ALK is on the minus strand). VCF-style: chr2-29214029-A-G. GRCh37 (hg19) VCF-style: chr2-29436895-A-G.
Other names: c.3698T>C (NM_004304.4); c.494T>C, p.Ile165Thr (NM_001353765.2); short protein forms I165T, I1233T.
Identifiers: ClinVar variation 1492522 (VCV001492522.8), dbSNP rs1669533889, ClinGen allele CA346471409.

ClinVar aggregate classification (germline): Uncertain significance. Review status: criteria provided, multiple submitters, no conflicts (2 of 4 stars). 2 submissions from 2 submitters: Uncertain significance (2). Last evaluated 2025-04-03.

Conditions:
Hereditary cancer-predisposing syndrome. Also called: Neoplastic Syndromes, Hereditary; Tumor predisposition; Hereditary neoplastic syndrome; Hereditary Cancer Syndrome. Identifiers: Orphanet 140162, MedGen C0027672, MeSH D009386, MONDO:0015356.
Neuroblastoma, susceptibility to, 3. Also called: ALK-Related Neuroblastic Tumor Susceptibility. Identifiers: Orphanet 635, MedGen C2751681, MONDO:0013083, OMIM 613014.

Submissions (2):

Ambry Genetics
Classification: Uncertain significance for Hereditary cancer-predisposing syndrome. Last evaluated: 2025-04-03. Review status: criteria provided, single submitter. Criteria: Ambry Variant Classification Scheme 2023. Collection method: clinical testing. Allele origin: germline.
Comment: The p.I1233T variant (also known as c.3698T>C), located in coding exon 24 of the ALK gene, results from a T to C substitution at nucleotide position 3698. The isoleucine at codon 1233 is replaced by threonine, an amino acid with similar properties. This amino acid position is conserved. In addition, this alteration is predicted to be deleterious by in silico analysis. Since supporting evidence is limited at this time, the clinical significance of this alteration remains unclear.

Labcorp Genetics (formerly Invitae), Labcorp
Classification: Uncertain significance for Neuroblastoma, susceptibility to, 3. Last evaluated: 2023-10-27. Review status: criteria provided, single submitter. Criteria: Invitae Variant Classification Sherloc (09022015). Collection method: clinical testing. Allele origin: germline.
Comment: This sequence change replaces isoleucine, which is neutral and non-polar, with threonine, which is neutral and polar, at codon 1233 of the ALK protein (p.Ile1233Thr). This variant is not present in population databases (gnomAD no frequency). This variant has not been reported in the literature in individuals affected with ALK-related conditions. ClinVar contains an entry for this variant (Variation ID: 1492522). An algorithm developed to predict the effect of missense changes on protein structure and function (PolyPhen-2) suggests that this variant is likely to be disruptive. In summary, the available evidence is currently insufficient to determine the role of this variant in disease. Therefore, it has been classified as a Variant of Uncertain Significance.